The following is an entry in ClinVar:

NM_016239.4(MYO15A):c.9998G>A (p.Arg3333Gln)

Gene: MYO15A (myosin XVA; plus strand). Cytogenetic location: 17p11.2.
Variant type: single nucleotide variant.
Coding change: c.9998G>A on transcript NM_016239.4 (MANE Select); coding-DNA position 9998, G replaced by A.
Protein change: p.Arg3333Gln; replaces arginine 3333 with glutamine.
Molecular consequence: missense variant.
Genome position (GRCh38, 1-based): chr17:18,167,639, G>A. VCF-style: chr17-18167639-G-A. GRCh37 (hg19) VCF-style: chr17-18070953-G-A.
Other names: NM_016239.4(MYO15A):c.9998G>A; short protein forms R3333Q.
Identifiers: ClinVar variation 164570 (VCV000164570.24), dbSNP rs200605472, ClinGen allele CA177281.
Genomic context (GRCh38, chr17:18,167,639, plus strand): 5'-GCTCCCTGCAGGTCCTGCCTGACTACCTGAAGGGACTCTTCAGCAGTGTGCCGGCCAGCC[G>A]GCCCAGCGAGCAGCTGCTGCAGCAGGTGTCCAAGCTGGCTTCACTGCAGCATCGCGCCAA-3'
Protein context (NP_057323.3, residues 3323-3343): KGLFSSVPAS[Arg3333Gln]PSEQLLQQVS

ClinVar aggregate classification (germline): Likely benign. Review status: reviewed by expert panel (3 of 4 stars). 7 submissions from 7 submitters: Likely benign (1). 6 of the submissions do not count toward it. Last evaluated 2021-07-22.

Conditions:
MYO15A-related disorder. Also called: MYO15A-related condition.
Nonsyndromic genetic hearing loss. Also called: Nonsyndromic hearing loss and deafness; Nonsyndromic genetic deafness; Non-syndromic genetic deafness. Identifiers: Orphanet 87884, MedGen C5680182, MONDO:0019497.

Allele frequency attached by ClinVar (database versions not stated): gnomAD exomes 0.00020 and 0.00027; gnomAD 0.00027; TOPMed 0.00028; ExAC 0.00032; ESP Exome Variant Server 0.00032.
gnomAD v4.1: 389 of 1,603,954 alleles (0.024%); highest among the groups gnomAD compares: Middle Eastern, 0.082%; 2 homozygotes.

Submissions (7):

ClinGen Hearing Loss Variant Curation Expert Panel
Classification: Likely benign for Nonsyndromic genetic hearing loss. Last evaluated: 2021-07-22. Review status: reviewed by expert panel. Criteria: clingen hl acmg specifications otof myo15a v1. Collection method: curation. Allele origin: germline. Inheritance: Autosomal recessive inheritance.
Comment: The filtering allele frequency (the lower threshold of the 95% CI of 41/10294) of the c.9998G>A (p.Arg3333Gln) variant in the MYO15A gene is 0.302% for Ashkenazi Jewish chromosomes by gnomAD, which is a high enough frequency to be classified as likely benign based on the thresholds defined by the ClinGen Hearing Loss Expert Panel for autosomal recessive hearing loss variants (BS1). In summary, this variant meets criteria to be classified as likely benign. ACMG/AMP criteria applied, as specified by the Hearing Loss Expert Panel: BS1.

CeGaT Center for Human Genetics Tuebingen
Classification: Likely benign. Last evaluated: 2026-02-01. Review status: criteria provided, single submitter. Criteria: CeGaT Center For Human Genetics Tuebingen Variant Classification Criteria Version 2. Collection method: clinical testing. Allele origin: germline. Affected: yes. Observed: 2 variant alleles. Not counted in ClinVar's aggregate classification.
Comment: MYO15A: BP4, BS2

Labcorp Genetics (formerly Invitae), Labcorp
Classification: Likely benign. Last evaluated: 2026-01-19. Review status: criteria provided, single submitter. Criteria: Invitae Variant Classification Sherloc (09022015). Collection method: clinical testing. Allele origin: germline. Not counted in ClinVar's aggregate classification.

Blueprint Genetics
Classification: Likely benign. Last evaluated: 2024-11-22. Review status: criteria provided, single submitter. Criteria: ACMG Guidelines, 2015. Collection method: clinical testing. Allele origin: germline. Not counted in ClinVar's aggregate classification.

GeneDx
Classification: Likely benign. Last evaluated: 2021-02-22. Review status: criteria provided, single submitter. Criteria: GeneDx Variant Classification Process June 2021. Collection method: clinical testing. Allele origin: germline. Affected: yes. Not counted in ClinVar's aggregate classification.

Laboratory for Molecular Medicine, Mass General Brigham Personalized Medicine
Classification: Likely benign. Last evaluated: 2016-08-30. Review status: criteria provided, single submitter. Criteria: LMM Criteria. Collection method: clinical testing. Allele origin: germline. Observed: 2 variant alleles. Not counted in ClinVar's aggregate classification.
Comment: p.Arg3333Gln in exon 62 of MYO15A: This variant is not expected to have clinical significance due to a lack of conservation across species, including mammals. O f note, many species, including other primates, have a glutamine (Gln) at this p osition despite high nearby amino acid conservation. This variant has been ident ified in 28/64402 European chromosomes by the Exome Aggregation Consortium (ExAC; dbSNP rs200605472).

PreventionGenetics, part of Exact Sciences
Classification: Likely benign for MYO15A-related condition. Last evaluated: 2021-01-29. Review status: no assertion criteria provided. Collection method: clinical testing. Allele origin: germline. Not counted in ClinVar's aggregate classification.
Comment: This variant is classified as likely benign based on ACMG/AMP sequence variant interpretation guidelines (Richards et al. 2015 PMID: 25741868, with internal and published modifications).